The following is an entry in ClinVar:

NM_001267585.2(FBXW10):c.1341T>A (p.Val447=)

Gene: FBXW10 (F-box and WD repeat domain containing 10; plus strand). Cytogenetic location: 17p11.2.
Variant type: single nucleotide variant.
Coding change: c.1341T>A on transcript NM_001267585.2 (MANE Select); coding-DNA position 1341, T replaced by A.
Protein change: p.Val447=; no amino-acid change (valine 447 retained).
Molecular consequence: synonymous variant. On other transcripts: non-coding transcript variant (1).
Genome position (GRCh38, 1-based): chr17:18,758,413, T>A. VCF-style: chr17-18758413-T-A. GRCh37 (hg19) VCF-style: chr17-18661726-T-A.
Other names: c.1341T>A, p.Val447= (NM_001267586.2); c.1428T>A, p.Val476= (NM_001411059.1).
Identifiers: ClinVar variation 4534023 (VCV004534023.6).

ClinVar aggregate classification (germline): Likely benign (1 of 4 stars; one submission).

Submission:

CeGaT Center for Human Genetics Tuebingen
Classification: Likely benign. Last evaluated: 2025-10-01. Review status: criteria provided, single submitter. Criteria: CeGaT Center For Human Genetics Tuebingen Variant Classification Criteria Version 2. Collection method: clinical testing. Allele origin: germline. Affected: yes. Observed: 1 variant allele.
Comment: FBXW10: BP4, BP7